The following is an entry in ClinVar:

ClinVar aggregate classification (germline): Uncertain significance (1 of 4 stars; one submission).

Conditions:
Severe combined immunodeficiency due to DCLRE1C deficiency (RS-SCID). Also called: SCID, AUTOSOMAL RECESSIVE, T CELL-NEGATIVE, B CELL-NEGATIVE, NK CELL-POSITIVE, WITH SENSITIVITY TO IONIZING RADIATION. Identifiers: Orphanet 275, MedGen C1865371, MONDO:0011225, OMIM 602450.

Submission:

Labcorp Genetics (formerly Invitae), Labcorp
Classification: Uncertain significance for Athabaskan severe combined immunodeficiency. Last evaluated: 2024-01-02. Review status: criteria provided, single submitter. Criteria: Invitae Variant Classification Sherloc (09022015). Collection method: clinical testing. Allele origin: germline.
Comment: This sequence change replaces serine, which is neutral and polar, with asparagine, which is neutral and polar, at codon 607 of the DCLRE1C protein (p.Ser607Asn). Information on the frequency of this variant in the gnomAD database is not available, as this variant may be reported differently in the database. This variant has not been reported in the literature in individuals affected with DCLRE1C-related conditions. ClinVar contains an entry for this variant (Variation ID: 1498911). An algorithm developed to predict the effect of missense changes on protein structure and function (PolyPhen-2) suggests that this variant is likely to be tolerated. In summary, the available evidence is currently insufficient to determine the role of this variant in disease. Therefore, it has been classified as a Variant of Uncertain Significance.

NM_001033855.3(DCLRE1C):c.1820_1821delinsAT (p.Ser607Asn)

Gene: DCLRE1C (DNA cross-link repair 1C; minus strand). Cytogenetic location: 10p13.
Variant type: Indel.
Coding change: c.1820_1821delinsAT on transcript NM_001033855.3 (MANE Select); coding-DNA positions 1820 to 1821, GC replaced by AT.
Protein change: p.Ser607Asn; replaces serine 607 with asparagine.
Molecular consequence: missense variant. On other transcripts: non-coding transcript variant (3), intron variant (3).
Genome position (GRCh38, 1-based): chr10:14,908,666-14,908,667, GC replaced by AT on the plus strand (GC replaced by AT on the coding strand, the reverse complement: DCLRE1C is on the minus strand). VCF-style: chr10-14908666-GC-AT. GRCh37 (hg19) VCF-style: chr10-14950665-GC-AT.
Other names: c.1460_1461delinsAT, p.Ser487Asn (NM_001033857.3, NM_001033858.3, NM_001289077.2 and 1 more transcripts); c.1475_1476delinsAT, p.Ser492Asn (NM_001289076.2, NM_001289078.2, NM_022487.4); c.1437+38_1437+39delinsAT (NM_001350966.2); c.1782+38_1782+39delinsAT (NM_001350965.2); c.1422+38_1422+39delinsAT (NM_001350967.2); short protein forms S607N, S487N, S492N.
Identifiers: ClinVar variation 1498911 (VCV001498911.6), dbSNP rs2131771850, ClinGen allele CA2573145018.